The following is an entry in ClinVar:

ClinVar aggregate classification (germline): Uncertain significance. Review status: criteria provided, multiple submitters, no conflicts (2 of 4 stars). 2 submissions from 2 submitters: Uncertain significance (2). Last evaluated 2025-05-25.

Conditions:
Inborn genetic diseases. Identifiers: MedGen C0950123, MeSH D030342.

gnomAD v4.1: 1 of 1,614,084 alleles (0.000062%); highest among the groups gnomAD compares: Admixed American, 0.0017%; no homozygotes.

Submissions (2):

Ambry Genetics
Classification: Uncertain significance for Inborn genetic diseases. Last evaluated: 2025-05-25. Review status: criteria provided, single submitter. Criteria: Ambry Variant Classification Scheme 2023. Collection method: clinical testing. Allele origin: germline.
Comment: The p.S1231G variant (also known as c.3691A>G), located in coding exon 17 of the MECOM gene, results from an A to G substitution at nucleotide position 3691. The serine at codon 1231 is replaced by glycine, an amino acid with similar properties. This amino acid position is conserved. In addition, this alteration is predicted to be tolerated by in silico analysis. Based on the available evidence, the clinical significance of this variant remains unclear.

Blueprint Genetics
Classification: Uncertain significance. Last evaluated: 2024-09-02. Review status: criteria provided, single submitter. Criteria: ACMG Guidelines, 2015. Collection method: clinical testing. Allele origin: germline.

NM_004991.4(MECOM):c.3691A>G (p.Ser1231Gly)

Gene: MECOM (MDS1 and EVI1 complex locus; minus strand). Cytogenetic location: 3q26.2.
Variant type: single nucleotide variant.
Coding change: c.3691A>G on transcript NM_004991.4 (MANE Select); coding-DNA position 3691, A replaced by G.
Protein change: p.Ser1231Gly; replaces serine 1231 with glycine.
Molecular consequence: missense variant.
Genome position (GRCh38, 1-based): chr3:169,084,938, T>C on the plus strand (A>G on the coding strand, the complement: MECOM is on the minus strand). VCF-style: chr3-169084938-T-C. GRCh37 (hg19) VCF-style: chr3-168802726-T-C.
Other names: c.3322A>G, p.Ser1108Gly (NM_001105077.4); c.3127A>G, p.Ser1043Gly (NM_001105078.4, NM_001205194.2, NM_001366469.2 and 1 more transcripts); c.3103A>G, p.Ser1035Gly (NM_001163999.2, NM_001366470.2); c.3100A>G, p.Ser1034Gly (NM_001164000.2, NM_001366471.2, NM_001366472.2); c.3664A>G, p.Ser1222Gly (NM_001366466.2); c.3130A>G, p.Ser1044Gly (NM_001366467.2, NM_001366468.2); c.2692A>G, p.Ser898Gly (NM_001366473.2); c.2128A>G, p.Ser710Gly (NM_001366474.2); short protein forms S1034G, S1043G, S1222G, S1231G, S898G, S1035G, S1044G, S1108G.
Identifiers: ClinVar variation 4053287 (VCV004053287.2).